The following is an entry in ClinVar:

NM_001042492.3(NF1):c.5269-1G>C

Gene: NF1 (neurofibromin 1; plus strand). Cytogenetic location: 17q11.2.
Variant type: single nucleotide variant.
Coding change: c.5269-1G>C on transcript NM_001042492.3 (MANE Select); the canonical splice acceptor site of the intron before coding-DNA position 5269, G replaced by C.
Molecular consequence: splice acceptor variant.
Genome position (GRCh38, 1-based): chr17:31,327,498, G>C. VCF-style: chr17-31327498-G-C. GRCh37 (hg19) VCF-style: chr17-29654516-G-C.
Other names: c.5206-1G>C (NM_000267.4).
Identifiers: ClinVar variation 431653 (VCV000431653.14), dbSNP rs876660141, ClinGen allele CA399008854.

ClinVar aggregate classification (germline): Pathogenic/Likely pathogenic. Review status: criteria provided, multiple submitters, no conflicts (2 of 4 stars). 6 submissions from 6 submitters: Pathogenic (3); Likely pathogenic (2). 1 of the submissions does not count toward it. Last evaluated 2025-09-10.

Conditions:
NF1-related disorder. Also called: NF1-related condition. Identifiers: MedGen CN379171.
Hereditary cancer-predisposing syndrome. Also called: Hereditary Cancer Syndrome; Hereditary neoplastic syndrome; Neoplastic Syndromes, Hereditary; Tumor predisposition. Identifiers: Orphanet 140162, MedGen C0027672, MeSH D009386, MONDO:0015356.
Cardiovascular phenotype. Identifiers: MedGen CN230736.
Neurofibromatosis, type 1 (NF1). Also called: Neurofibromatosis, type I; Peripheral type neurofibromatosis; VON RECKLINGHAUSEN DISEASE; NEUROFIBROMATOSIS, TYPE I, SOMATIC. Identifiers: Orphanet 636, MedGen C0027831, MONDO:0018975, OMIM 162200. Disease mechanism: loss of function.

Submissions (7):

Labcorp Genetics (formerly Invitae), Labcorp
Classification: Pathogenic for Neurofibromatosis, type 1. Last evaluated: 2025-09-10. Review status: criteria provided, single submitter. Criteria: Invitae Variant Classification Sherloc (09022015). Collection method: clinical testing. Allele origin: germline.
Comment: This sequence change affects an acceptor splice site in intron 36 of the NF1 gene. It is expected to disrupt RNA splicing. Variants that disrupt the donor or acceptor splice site typically lead to a loss of protein function (PMID: 16199547), and loss-of-function variants in NF1 are known to be pathogenic (PMID: 10712197, 23913538). This variant is not present in population databases (gnomAD no frequency). Disruption of this splice site has been observed in individual(s) with clinical features of neurofibromatosis type I (PMID: 25325900, 28961165, 34328347). ClinVar contains an entry for this variant (Variation ID: 431653). Algorithms developed to predict the effect of sequence changes on RNA splicing suggest that this variant may disrupt the consensus splice site. For these reasons, this variant has been classified as Pathogenic.

Ambry Genetics
Classification: Likely pathogenic for Cardiovascular phenotype; Hereditary cancer-predisposing syndrome. Last evaluated: 2024-07-29. Review status: criteria provided, single submitter. Criteria: Ambry Variant Classification Scheme 2023. Collection method: clinical testing. Allele origin: germline.
Comment: The c.5206-1G>C intronic variant results from a G to C substitution one nucleotide upstream from coding exon 37 of the NF1 gene. This variant was reported in multiple individuals with features consistent with neurofibromatosis type 1 (NF1) (Muthusamy K et al. Am J Med Genet A, 2022 Mar;188:911-918; Bonatti F et al. Int J Mol Sci, 2017 Sep;18:). This variant is considered to be rare based on population cohorts in the Genome Aggregation Database (gnomAD). This nucleotide position is highly conserved in available vertebrate species. In silico splice site analysis predicts that this alteration will weaken the native splice acceptor site and may result in the creation or strengthening of a novel splice acceptor site. In addition to the clinical data presented in the literature, alterations that disrupt the canonical splice site are expected to cause aberrant splicing, resulting in an abnormal protein or a transcript that is subject to nonsense-mediated mRNA decay. As such, this alteration is classified as likely pathogenic.

GeneDx
Classification: Pathogenic. Last evaluated: 2024-04-04. Review status: criteria provided, single submitter. Criteria: GeneDx Variant Classification Process June 2021. Collection method: clinical testing. Allele origin: germline. Affected: yes.
Comment: Canonical splice site variant in a gene for which loss-of-function is a known mechanism of disease; Not observed in large population cohorts (gnomAD); This variant is associated with the following publications: (PMID: 34328347, 34797032, 28961165)

Blueprint Genetics
Classification: Pathogenic for NF1-related disorders. Last evaluated: 2022-05-09. Review status: criteria provided, single submitter. Criteria: ACMG Guidelines, 2015. Collection method: clinical testing. Allele origin: germline. Affected: yes. Observed: 1 variant allele.

ARUP Laboratories, Molecular Genetics and Genomics, ARUP Laboratories
Classification: Likely pathogenic. Last evaluated: 2021-04-07. Review status: criteria provided, single submitter. Criteria: ARUP Molecular Germline Variant Investigation Process 2021. Collection method: clinical testing. Allele origin: germline.
Comment: The NF1 c. c.5269-1G>C variant (rs876660141), also known as c.5206-1G>C for NM_000267.3, is reported in the literature in an individual affected with neurofibromatosis type I (Bonatti 2017). This variant is also reported in ClinVar (Variation ID: 431653). This variant is absent from the Genome Aggregation Database, indicating it is not a common polymorphism. This variant disrupts the canonical splice acceptor site of intron 37, which is likely to negatively impact gene function. Based on available information, this variant is considered to be likely pathogenic. References: Bonatti F et al. Patterns of Novel Alleles and Genotype/Phenotype Correlations Resulting from the Analysis of 108 Previously Undetected Mutations in Patients Affected by Neurofibromatosis Type I. Int J Mol Sci. 2017 Sep 29;18(10):2071. PMID: 28961165.

Medical Genetics, University of Parma
Classification: Likely pathogenic for Neurofibromatosis type 1. Last evaluated: 2017-02-02. Review status: no assertion criteria provided. Collection method: clinical testing. Allele origin: germline. Affected: yes. Not counted in ClinVar's aggregate classification.

Dr. Peter K. Rogan Lab, Western University
No classification provided (evidence only). Condition: Glioma susceptibility 1. Review status: no classification provided. Collection method: in vitro. Allele origin: not applicable. Functional consequence: skipped exon, retained intron. Not counted in ClinVar's aggregate classification.

Literature cited by the submitters: PubMed 16199547 (cited by Labcorp Genetics (formerly Invitae), Labcorp); PubMed 10712197 (cited by Labcorp Genetics (formerly Invitae), Labcorp); PubMed 23913538 (cited by Labcorp Genetics (formerly Invitae), Labcorp); PubMed 25325900 (cited by Labcorp Genetics (formerly Invitae), Labcorp); PubMed 28961165 (cited by Labcorp Genetics (formerly Invitae), Labcorp and Ambry Genetics); PubMed 34328347 (cited by Labcorp Genetics (formerly Invitae), Labcorp); PubMed 34797032 (cited by Ambry Genetics).